The following is an entry in ClinVar:

ClinVar aggregate classification (germline): Likely pathogenic (1 of 4 stars; one submission).

Conditions:
Autosomal recessive nonsyndromic hearing loss 77. Identifiers: Orphanet 90636, MedGen C2746083, MONDO:0013119, OMIM 613079.

Submission:

Natera, Inc.
Classification: Likely pathogenic for Autosomal recessive deafness type 77. Last evaluated: 2025-02-13. Review status: criteria provided, single submitter. Criteria: Natera Variant Classification Schema (03/2026). Collection method: clinical testing. Allele origin: germline.
Comment: The c.1189del variant in LOXHD1 is a frameshift variant predicted to shift the reading frame beginning at codon 397 and leads to a stop codon 10 codons downstream. This variant is expected to result in nonsense mediated decay, truncation, or a dysfunctional protein product. This variant is rare in the general population with a frequency below the threshold expected for the associated phenotype(s). Given the available evidence, this variant is classified as Likely Pathogenic.

NM_001384474.1(LOXHD1):c.1189del (p.Trp397fs)

Gene: LOXHD1 (lipoxygenase homology PLAT domains 1; minus strand). Cytogenetic location: 18q21.1.
Variant type: Deletion.
Coding change: c.1189del on transcript NM_001384474.1 (MANE Select); coding-DNA position 1189, one base deleted (T; older notation c.1189delT).
Protein change: p.Trp397fs; shifts the reading frame from tryptophan 397.
Molecular consequence: frameshift variant.
Genome position (GRCh38, 1-based): chr18:46,594,412, A deleted on the plus strand (T on the coding strand, the reverse complement: LOXHD1 is on the minus strand). VCF-style (leftmost placement, unchanged base first): chr18-46594411-CA-C. GRCh37 (hg19) VCF-style: chr18-44174374-CA-C.
Other names: c.1189del, p.Trp397fs (NM_144612.7); short protein forms W397fs.
Identifiers: ClinVar variation 4070106 (VCV004070106.2).